The following is an entry in ClinVar:

NM_001015880.2(PAPSS2):c.1379T>C (p.Leu460Pro)

Gene: PAPSS2 (3'-phosphoadenosine 5'-phosphosulfate synthase 2; plus strand). Cytogenetic location: 10q23.31.
Variant type: single nucleotide variant.
Coding change: c.1379T>C on transcript NM_001015880.2 (MANE Select); coding-DNA position 1379, T replaced by C.
Protein change: p.Leu460Pro; replaces leucine 460 with proline.
Molecular consequence: missense variant.
Genome position (GRCh38, 1-based): chr10:87,743,529, T>C. VCF-style: chr10-87743529-T-C. GRCh37 (hg19) VCF-style: chr10-89503286-T-C.
Other names: c.1364T>C, p.Leu455Pro (NM_004670.4); short protein forms L455P, L460P.
Identifiers: ClinVar variation 2015176 (VCV002015176.4), dbSNP rs2492874759, ClinGen allele CA377483183.

ClinVar aggregate classification (germline): Uncertain significance (1 of 4 stars; one submission).

Conditions:
Spondyloepimetaphyseal dysplasia, PAPSS2 type. Also called: BRACHYOLMIA TYPE 4 WITH MILD EPIPHYSEAL AND METAPHYSEAL CHANGES; SPONDYLODYSPLASIA AND PREMATURE PUBARCHE; SEMD, PAKISTANI TYPE. Identifiers: Orphanet 93282, MedGen C2748516, MONDO:0019666, OMIM 612847.

Submission:

Labcorp Genetics (formerly Invitae), Labcorp
Classification: Uncertain significance for Spondyloepimetaphyseal dysplasia, PAPSS2 type. Last evaluated: 2024-10-16. Review status: criteria provided, single submitter. Criteria: Invitae Variant Classification Sherloc (09022015). Collection method: clinical testing. Allele origin: germline.
Comment: This sequence change replaces leucine, which is neutral and non-polar, with proline, which is neutral and non-polar, at codon 460 of the PAPSS2 protein (p.Leu460Pro). This variant is not present in population databases (gnomAD no frequency). This variant has not been reported in the literature in individuals affected with PAPSS2-related conditions. ClinVar contains an entry for this variant (Variation ID: 2015176). An algorithm developed to predict the effect of missense changes on protein structure and function (PolyPhen-2) suggests that this variant is likely to be disruptive. In summary, the available evidence is currently insufficient to determine the role of this variant in disease. Therefore, it has been classified as a Variant of Uncertain Significance.